The following is an entry in ClinVar:

ClinVar aggregate classification (germline): Uncertain significance. Review status: criteria provided, multiple submitters, no conflicts (2 of 4 stars). 3 submissions from 3 submitters: Uncertain significance (3). Last evaluated 2025-12-30.

Conditions:
Inborn genetic diseases. Identifiers: MedGen C0950123, MeSH D030342.
Osteogenesis imperfecta (OI). Identifiers: Orphanet 666, MedGen C0029434, MeSH D010013, MONDO:0019019.

Allele frequency attached by ClinVar (database versions not stated): ESP Exome Variant Server 0.00008; gnomAD exomes 0.00011 and 0.00028; ExAC 0.00013; 1000 Genomes Project 30x 0.00016; 1000 Genomes Project 0.00020; gnomAD 0.00021 and 0.00024; TOPMed 0.00021.
gnomAD v4.1: 435 of 1,606,776 alleles (0.027%); highest among the groups gnomAD compares: Non-Finnish European, 0.034%; no homozygotes.

Submissions (3):

Labcorp Genetics (formerly Invitae), Labcorp
Classification: Uncertain significance. Last evaluated: 2025-12-30. Review status: criteria provided, single submitter. Criteria: Invitae Variant Classification Sherloc (09022015). Collection method: clinical testing. Allele origin: germline.
Comment: This sequence change replaces alanine, which is neutral and non-polar, with threonine, which is neutral and polar, at codon 570 of the XYLT2 protein (p.Ala570Thr). This variant is present in population databases (rs199816555, gnomAD 0.03%). This variant has not been reported in the literature in individuals affected with XYLT2-related conditions. ClinVar contains an entry for this variant (Variation ID: 1351359). Invitae Evidence Modeling of protein sequence and biophysical properties (such as structural, functional, and spatial information, amino acid conservation, physicochemical variation, residue mobility, and thermodynamic stability) indicates that this missense variant is not expected to disrupt XYLT2 protein function with a negative predictive value of 80%. In summary, the available evidence is currently insufficient to determine the role of this variant in disease. Therefore, it has been classified as a Variant of Uncertain Significance.

Ambry Genetics
Classification: Uncertain significance for Inborn genetic diseases. Last evaluated: 2025-01-21. Review status: criteria provided, single submitter. Criteria: Ambry Variant Classification Scheme 2023. Collection method: clinical testing. Allele origin: germline.

Genome Diagnostics Laboratory, The Hospital for Sick Children
Classification: Uncertain significance for Osteogenesis imperfecta. Last evaluated: 2019-06-01. Review status: criteria provided, single submitter. Criteria: ACMG Guidelines, 2015. Collection method: clinical testing. Allele origin: germline.

NM_022167.4(XYLT2):c.1708G>A (p.Ala570Thr)

Gene: XYLT2 (xylosyltransferase 2; plus strand). Cytogenetic location: 17q21.33.
Variant type: single nucleotide variant.
Coding change: c.1708G>A on transcript NM_022167.4 (MANE Select); coding-DNA position 1708, G replaced by A.
Protein change: p.Ala570Thr; replaces alanine 570 with threonine.
Molecular consequence: missense variant.
Genome position (GRCh38, 1-based): chr17:50,356,736, G>A. VCF-style: chr17-50356736-G-A. GRCh37 (hg19) VCF-style: chr17-48434097-G-A.
Other names: short protein forms A570T.
Identifiers: ClinVar variation 1351359 (VCV001351359.9), dbSNP rs199816555, ClinGen allele CA8646528.